The following is an entry in ClinVar:

NM_000180.4(GUCY2D):c.2176G>A (p.Ala726Thr)

Gene: GUCY2D (guanylate cyclase 2D, retinal; plus strand). Cytogenetic location: 17p13.1.
Variant type: single nucleotide variant.
Coding change: c.2176G>A on transcript NM_000180.4 (MANE Select); coding-DNA position 2176, G replaced by A.
Protein change: p.Ala726Thr; replaces alanine 726 with threonine.
Molecular consequence: missense variant.
Genome position (GRCh38, 1-based): chr17:8,013,165, G>A. VCF-style: chr17-8013165-G-A. GRCh37 (hg19) VCF-style: chr17-7916483-G-A.
Other names: short protein forms A726T.
Identifiers: ClinVar variation 1482749 (VCV001482749.6), dbSNP rs1459595665, ClinGen allele CA397952853.
Genomic context (GRCh38, chr17:8,013,165, plus strand): 5'-CAGCTGTGGACAGCCCCGGAGCTGCTTAGGGACCCAGCCCTGGAGCGCCGGGGAACGCTG[G>A]CCGGCGACGTCTTTAGCTTGGCCATCATCATGCAAGAAGTAGTGTGCCGCAGTGCCCCTT-3'
Protein context (NP_000171.1, residues 716-736): DPALERRGTL[Ala726Thr]GDVFSLAIIM

ClinVar aggregate classification (germline): Uncertain significance (1 of 4 stars; one submission).

Conditions:
Cone-rod dystrophy 6 (CORD6). Also called: RETINAL CONE DYSTROPHY 2; Cone dystrophy progressive. Identifiers: Orphanet 1872, MedGen C1866293, MONDO:0011143, OMIM 601777.
Leber congenital amaurosis 1 (LCA1). Also called: RETINAL BLINDNESS, CONGENITAL; Congenital absence of the rods and cones; Leber's congenital tapetoretinal degeneration; Leber's congenital tapetoretinal dysplasia; AMAUROSIS CONGENITA OF LEBER I. Identifiers: Orphanet 65, MedGen C2931258, MONDO:0008764, OMIM 204000.

Allele frequency attached by ClinVar (database versions not stated): gnomAD exomes below 0.00001.
gnomAD v4.1: 3 of 1,613,964 alleles (0.00019%); highest among the groups gnomAD compares: Non-Finnish European, 0.00025%; no homozygotes.

Submission:

Labcorp Genetics (formerly Invitae), Labcorp
Classification: Uncertain significance for Leber congenital amaurosis 1; Cone-rod dystrophy 6. Last evaluated: 2021-11-15. Review status: criteria provided, single submitter. Criteria: Invitae Variant Classification Sherloc (09022015). Collection method: clinical testing. Allele origin: germline.
Comment: In summary, the available evidence is currently insufficient to determine the role of this variant in disease. Therefore, it has been classified as a Variant of Uncertain Significance. Algorithms developed to predict the effect of missense changes on protein structure and function (SIFT, PolyPhen-2, Align-GVGD) all suggest that this variant is likely to be tolerated. This variant has not been reported in the literature in individuals affected with GUCY2D-related conditions. This variant is present in population databases (no rsID available, gnomAD 0.0009%). This sequence change replaces alanine, which is neutral and non-polar, with threonine, which is neutral and polar, at codon 726 of the GUCY2D protein (p.Ala726Thr).